The following is an entry in ClinVar:

ClinVar aggregate classification (germline): Uncertain significance. Review status: criteria provided, multiple submitters, no conflicts (2 of 4 stars). 2 submissions from 2 submitters: Uncertain significance (2). Last evaluated 2025-04-09.

Conditions:
Developmental and epileptic encephalopathy 98. Identifiers: MedGen C5562017, MONDO:0030472, OMIM 619605.
Familial hemiplegic migraine. Identifiers: MedGen C0338484, MONDO:0000700.

Submissions (2):

Labcorp Genetics (formerly Invitae), Labcorp
Classification: Uncertain significance for Familial hemiplegic migraine. Last evaluated: 2025-04-09. Review status: criteria provided, single submitter. Criteria: Invitae Variant Classification Sherloc (09022015). Collection method: clinical testing. Allele origin: germline.
Comment: This sequence change replaces glycine, which is neutral and non-polar, with cysteine, which is neutral and slightly polar, at codon 1011 of the ATP1A2 protein (p.Gly1011Cys). This variant is not present in population databases (gnomAD no frequency). This variant has not been reported in the literature in individuals affected with ATP1A2-related conditions. ClinVar contains an entry for this variant (Variation ID: 434440). Invitae Evidence Modeling of protein sequence and biophysical properties (such as structural, functional, and spatial information, amino acid conservation, physicochemical variation, residue mobility, and thermodynamic stability) indicates that this missense variant is expected to disrupt ATP1A2 protein function with a positive predictive value of 95%. In summary, the available evidence is currently insufficient to determine the role of this variant in disease. Therefore, it has been classified as a Variant of Uncertain Significance.

Genetic Services Laboratory, University of Chicago
Classification: Uncertain significance. Last evaluated: 2016-04-09. Review status: criteria provided, single submitter. Criteria: ACMG Guidelines, 2015. Collection method: clinical testing. Allele origin: germline. Affected: no.

NM_000702.4(ATP1A2):c.3031G>T (p.Gly1011Cys)

Gene: ATP1A2 (ATPase Na+/K+ transporting subunit alpha 2; plus strand). Cytogenetic location: 1q23.2.
Variant type: single nucleotide variant.
Coding change: c.3031G>T on transcript NM_000702.4 (MANE Select); coding-DNA position 3031, G replaced by T.
Protein change: p.Gly1011Cys; replaces glycine 1011 with cysteine.
Molecular consequence: missense variant.
Genome position (GRCh38, 1-based): chr1:160,139,981, G>T. VCF-style: chr1-160139981-G-T. GRCh37 (hg19) VCF-style: chr1-160109771-G-T.
Other names: short protein forms G1011C.
Identifiers: ClinVar variation 434440 (VCV000434440.8), dbSNP rs1553246149, ClinGen allele CA343256758.